The following is an entry in ClinVar:

ClinVar aggregate classification (germline): Uncertain significance (1 of 4 stars; one submission).

gnomAD v4.1: 6 of 1,551,518 alleles (0.00039%); highest among the groups gnomAD compares: East Asian, 0.0097%; no homozygotes.

Submission:

Labcorp Genetics (formerly Invitae), Labcorp
Classification: Uncertain significance. Last evaluated: 2024-10-02. Review status: criteria provided, single submitter. Criteria: Invitae Variant Classification Sherloc (09022015). Collection method: clinical testing. Allele origin: germline.
Comment: This sequence change falls in intron 3 of the VSX1 gene. It does not directly change the encoded amino acid sequence of the VSX1 protein. This variant is present in population databases (rs765227177, gnomAD 0.03%). This variant has not been reported in the literature in individuals affected with VSX1-related conditions. Algorithms developed to predict the effect of sequence changes on RNA splicing suggest that this variant may disrupt the consensus splice site. In summary, the available evidence is currently insufficient to determine the role of this variant in disease. Therefore, it has been classified as a Variant of Uncertain Significance.

NM_014588.6(VSX1):c.628-5A>G

Gene: VSX1 (visual system homeobox 1; minus strand). Cytogenetic location: 20p11.21.
Variant type: single nucleotide variant.
Coding change: c.628-5A>G on transcript NM_014588.6 (MANE Select); 5 bases into the intron before coding-DNA position 628, A replaced by G.
Molecular consequence: intron variant. On other transcripts: 5 prime UTR variant (1), non-coding transcript variant (3).
Genome position (GRCh38, 1-based): chr20:25,077,870, T>C on the plus strand (A>G on the coding strand, the complement: VSX1 is on the minus strand). VCF-style: chr20-25077870-T-C. GRCh37 (hg19) VCF-style: chr20-25058506-T-C.
Other names: c.-71A>G (NM_001378633.1); c.627+959A>G (NM_001256271.2); c.628-5A>G (NM_001256272.2).
Identifiers: ClinVar variation 3700334 (VCV003700334.2).